The following is an entry in ClinVar:

ClinVar aggregate classification (germline): Conflicting classifications of pathogenicity. Review status: criteria provided, conflicting classifications (1 of 4 stars). 3 submissions from 3 submitters: Likely pathogenic (2); Uncertain significance (1). Last evaluated 2025-12-18.

Conditions:
Achromatopsia. Also called: Rod monochromatism. Identifiers: Orphanet 49382, MedGen C0152200, MONDO:0018852, HP:0011516.

Allele frequency attached by ClinVar (database versions not stated): TOPMed below 0.00001; ExAC 0.00001; gnomAD 0.00001.
gnomAD v4.1: 1 of 1,613,028 alleles (0.000062%); highest among the groups gnomAD compares: Non-Finnish European, 0.000085%; no homozygotes.

Submissions (3):

Natera, Inc.
Classification: Likely pathogenic for Achromatopsia. Last evaluated: 2025-12-18. Review status: criteria provided, single submitter. Criteria: Natera Variant Classification Schema (03/2026). Collection method: clinical testing. Allele origin: germline.
Comment: The c.1306A>C variant in CNGB3 is a missense variant predicted to cause substitution of serine to arginine at amino acid 436. This variant is rare in the general population with a frequency below the threshold expected for the associated phenotype(s). This variant has been observed in one or more individuals affected with the associated recessive disease, as either homozygous or compound heterozygous with a second variant (PMID: 32913385, 29343940). This variant has been identified in one or more affected individual with a phenotype highly consistent with the associated gene (PMID: 29343940). Computational prediction algorithms indicate this variant is likely to affect gene or protein function. Given the available evidence, this variant is classified as Likely Pathogenic.

Labcorp Genetics (formerly Invitae), Labcorp
Classification: Likely pathogenic. Last evaluated: 2025-10-14. Review status: criteria provided, single submitter. Criteria: Invitae Variant Classification Sherloc (09022015). Collection method: clinical testing. Allele origin: germline.
Comment: This sequence change replaces serine, which is neutral and polar, with arginine, which is basic and polar, at codon 436 of the CNGB3 protein (p.Ser436Arg). This variant is present in population databases (rs748354081, gnomAD 0.0009%). This missense change has been observed in individuals with clinical features of CNGB3-related conditions (PMID: 27479814, 29343940). ClinVar contains an entry for this variant (Variation ID: 1054172). Invitae Evidence Modeling of protein sequence and biophysical properties (such as structural, functional, and spatial information, amino acid conservation, physicochemical variation, residue mobility, and thermodynamic stability) has been performed for this missense variant. However, the output from this modeling did not meet the statistical confidence thresholds required to predict the impact of this variant on CNGB3 protein function. In summary, the currently available evidence indicates that the variant is pathogenic, but additional data are needed to prove that conclusively. Therefore, this variant has been classified as Likely Pathogenic.

Women's Health and Genetics/Laboratory Corporation of America, LabCorp
Classification: Uncertain significance. Last evaluated: 2023-05-15. Review status: criteria provided, single submitter. Criteria: LabCorp Variant Classification Summary - May 2015. Collection method: clinical testing. Allele origin: germline.
Comment: Variant summary: CNGB3 c.1306A>C (p.Ser436Arg) results in a non-conservative amino acid change in the encoded protein sequence. Four of five in-silico tools predict a damaging effect of the variant on protein function. The variant was absent in 250522 control chromosomes (gnomAD). c.1306A>C has been reported in the literature in compound heterozygous individuals affected with Achromatopsia (e.g. Langlo_2016, Bryant_2017). These data indicate that the variant may be associated with disease. To our knowledge, no experimental evidence demonstrating an impact on protein function has been reported. The following publications have been ascertained in the context of this evaluation (PMID: 29343940, 27479814). One ClinVar submitter has assessed the variant since 2014: the variant was classified as likely pathogenic. Based on the evidence outlined above, the variant was classified as VUS-possibly pathogenic.

Literature cited by the submitters: PubMed 32913385 (cited by Natera, Inc.); PubMed 29343940 (cited by 3 submitters); PubMed 27479814 (cited by Labcorp Genetics (formerly Invitae), Labcorp and Women's Health and Genetics/Laboratory Corporation of America, LabCorp).

NM_019098.5(CNGB3):c.1306A>C (p.Ser436Arg)

Gene: CNGB3 (cyclic nucleotide gated channel subunit beta 3; minus strand). Cytogenetic location: 8q21.3.
Variant type: single nucleotide variant.
Coding change: c.1306A>C on transcript NM_019098.5 (MANE Select); coding-DNA position 1306, A replaced by C.
Protein change: p.Ser436Arg; replaces serine 436 with arginine.
Molecular consequence: missense variant.
Genome position (GRCh38, 1-based): chr8:86,632,766, T>G on the plus strand (A>C on the coding strand, the complement: CNGB3 is on the minus strand). VCF-style: chr8-86632766-T-G. GRCh37 (hg19) VCF-style: chr8-87644994-T-G.
Other names: c.1306A>C (NM_019098.4); short protein forms S436R.
Identifiers: ClinVar variation 1054172 (VCV001054172.10), dbSNP rs748354081, ClinGen allele CA4800084.